The following is an entry in ClinVar:

ClinVar aggregate classification (germline): Uncertain significance. Review status: criteria provided, multiple submitters, no conflicts (2 of 4 stars). 2 submissions from 2 submitters: Uncertain significance (2). Last evaluated 2023-09-29.

Allele frequency attached by ClinVar (database versions not stated): TOPMed below 0.00001; gnomAD exomes 0.00001.
gnomAD v4.1: 8 of 1,613,884 alleles (0.0005%); highest among the groups gnomAD compares: Admixed American, 0.0067%; no homozygotes.

Submissions (2):

GeneDx
Classification: Uncertain significance. Last evaluated: 2023-09-29. Review status: criteria provided, single submitter. Criteria: GeneDx Variant Classification Process June 2021. Collection method: clinical testing. Allele origin: germline. Affected: yes.
Comment: Not observed at significant frequency in large population cohorts (gnomAD); In silico analysis supports that this missense variant does not alter protein structure/function; Has not been previously published as pathogenic or benign to our knowledge; Not located in the triple helical region, where the majority of pathogenic missense variants occur (HGMD)

Labcorp Genetics (formerly Invitae), Labcorp
Classification: Uncertain significance. Last evaluated: 2022-11-22. Review status: criteria provided, single submitter. Criteria: Invitae Variant Classification Sherloc (09022015). Collection method: clinical testing. Allele origin: germline.
Comment: In summary, the available evidence is currently insufficient to determine the role of this variant in disease. Therefore, it has been classified as a Variant of Uncertain Significance. Advanced modeling of protein sequence and biophysical properties (such as structural, functional, and spatial information, amino acid conservation, physicochemical variation, residue mobility, and thermodynamic stability) performed at Invitae indicates that this missense variant is not expected to disrupt COL2A1 protein function. ClinVar contains an entry for this variant (Variation ID: 1471845). This variant has not been reported in the literature in individuals affected with COL2A1-related conditions. This variant is not present in population databases (gnomAD no frequency). This sequence change replaces lysine, which is basic and polar, with asparagine, which is neutral and polar, at codon 1294 of the COL2A1 protein (p.Lys1294Asn).

NM_001844.5(COL2A1):c.3882G>T (p.Lys1294Asn)

Gene: COL2A1 (collagen type II alpha 1 chain; minus strand). Cytogenetic location: 12q13.11.
Variant type: single nucleotide variant.
Coding change: c.3882G>T on transcript NM_001844.5 (MANE Select); coding-DNA position 3882, G replaced by T.
Protein change: p.Lys1294Asn; replaces lysine 1294 with asparagine.
Molecular consequence: missense variant.
Genome position (GRCh38, 1-based): chr12:47,975,321, C>A on the plus strand (G>T on the coding strand, the complement: COL2A1 is on the minus strand). VCF-style: chr12-47975321-C-A. GRCh37 (hg19) VCF-style: chr12-48369104-C-A.
Other names: c.3882G>T (NM_001844.4); c.3675G>T, p.Lys1225Asn (NM_033150.3); short protein forms K1225N, K1294N.
Identifiers: ClinVar variation 1471845 (VCV001471845.7), dbSNP rs1938646610, ClinGen allele CA384536283.